The following is an entry in ClinVar:

ClinVar aggregate classification (germline): Uncertain significance. Review status: criteria provided, multiple submitters, no conflicts (2 of 4 stars). 2 submissions from 2 submitters: Uncertain significance (2). Last evaluated 2025-01-30.

gnomAD v4.1: 1,085 of 1,614,134 alleles (0.067%); highest among the groups gnomAD compares: Admixed American, 0.14%; no homozygotes.

Submissions (2):

GeneDx
Classification: Uncertain significance. Last evaluated: 2025-01-30. Review status: criteria provided, single submitter. Criteria: GeneDx Variant Classification Process June 2021. Collection method: clinical testing. Allele origin: germline. Affected: yes.
Comment: In silico analysis indicates that this missense variant does not alter protein structure/function; Has not been previously published as pathogenic or benign to our knowledge

Blueprint Genetics
Classification: Uncertain significance. Last evaluated: 2024-11-26. Review status: criteria provided, single submitter. Criteria: ACMG Guidelines, 2015. Collection method: clinical testing. Allele origin: germline.

NM_002016.2(FLG):c.11839C>T (p.Arg3947Cys)

Genes: CCDST (cervical cancer associated DHX9 suppressive transcript; plus strand), FLG (filaggrin; minus strand). Cytogenetic location: 1q21.3.
Variant type: single nucleotide variant.
Coding change: c.11839C>T on transcript NM_002016.2 (MANE Select); coding-DNA position 11839, C replaced by T.
Protein change: p.Arg3947Cys; replaces arginine 3947 with cysteine.
Molecular consequence: missense variant.
Genome position (GRCh38, 1-based): chr1:152,303,047, G>A on the plus strand (C>T on the coding strand, the complement: FLG is on the minus strand). VCF-style: chr1-152303047-G-A. GRCh37 (hg19) VCF-style: chr1-152275523-G-A.
Other names: short protein forms R3947C.
Identifiers: ClinVar variation 4072449 (VCV004072449.2).
Genomic context (GRCh38, chr1:152,303,047, plus strand): 5'-TTTGCCTTTCAGTGCCCTCAGATTGATAATGATAAGAACTAGAACTGTGAGGACTGCCAC[G>A]TGACTGTATTCCTGAGTGATACGCAGAATCTTGTGAAAGACTACTAAAGTGACCATGTTC-3'
Protein context (NP_002007.1, residues 3937-3957): DSAYHSGIQS[Arg3947Cys]GSPHSSSSYH